The following is an entry in ClinVar:

NM_003924.4(PHOX2B):c.756G>A (p.Ala252=)

Genes: PHOX2B (paired like homeobox 2B; minus strand), LOC110011216 (paired like homeobox 2b polyalanine repeat instability region; plus strand). Cytogenetic location: 4p13.
Variant type: single nucleotide variant.
Coding change: c.756G>A on transcript NM_003924.4 (MANE Select); coding-DNA position 756, G replaced by A.
Protein change: p.Ala252=; no amino-acid change (alanine 252 retained).
Molecular consequence: synonymous variant.
Genome position (GRCh38, 1-based): chr4:41,745,996, C>T on the plus strand (G>A on the coding strand, the complement: PHOX2B is on the minus strand). VCF-style: chr4-41745996-C-T. GRCh37 (hg19) VCF-style: chr4-41748013-C-T.
Identifiers: ClinVar variation 711400 (VCV000711400.15), dbSNP rs1173050990, ClinGen allele CA2901442.

ClinVar aggregate classification (germline): Likely benign. Review status: criteria provided, multiple submitters, no conflicts (2 of 4 stars). 3 submissions from 3 submitters: Likely benign (2). 1 of the submissions does not count toward it. Last evaluated 2023-08-16.

Conditions:
PHOX2B-related disorder. Also called: PHOX2B-related condition.
Hereditary cancer-predisposing syndrome. Also called: Hereditary Cancer Syndrome; Tumor predisposition; Hereditary neoplastic syndrome; Neoplastic Syndromes, Hereditary. Identifiers: Orphanet 140162, MedGen C0027672, MeSH D009386, MONDO:0015356.
Haddad syndrome (OHD). Also called: Ondine-Hirschsprung disease. Identifiers: Orphanet 99803, MedGen C1859049, MONDO:0020493.

Allele frequency attached by ClinVar (database versions not stated): ExAC below 0.00001; TOPMed below 0.00001; gnomAD 0.00001 and 0.00002.

Submissions (3):

Labcorp Genetics (formerly Invitae), Labcorp
Classification: Likely benign for Haddad syndrome. Last evaluated: 2023-08-16. Review status: criteria provided, single submitter. Criteria: Invitae Variant Classification Sherloc (09022015). Collection method: clinical testing. Allele origin: germline.

Ambry Genetics
Classification: Likely benign for Hereditary cancer-predisposing syndrome. Last evaluated: 2022-05-02. Review status: criteria provided, single submitter. Criteria: Ambry Variant Classification Scheme 2023. Collection method: clinical testing. Allele origin: germline.

PreventionGenetics, part of Exact Sciences
Classification: Likely benign for PHOX2B-related condition. Last evaluated: 2021-01-04. Review status: no assertion criteria provided. Collection method: clinical testing. Allele origin: germline. Not counted in ClinVar's aggregate classification.
Comment: This variant is classified as likely benign based on ACMG/AMP sequence variant interpretation guidelines (Richards et al. 2015 PMID: 25741868, with internal and published modifications).